The following is an entry in ClinVar:

ClinVar aggregate classification (germline): Uncertain significance (1 of 4 stars; one submission).

Conditions:
Primary ciliary dyskinesia 33. Also called: CILIARY DYSKINESIA, PRIMARY, 33, WITHOUT SITUS INVERSUS. Identifiers: Orphanet 244, MedGen C4225230, MONDO:0014750, OMIM 616726.

Submission:

Labcorp Genetics (formerly Invitae), Labcorp
Classification: Uncertain significance for Primary ciliary dyskinesia 33. Last evaluated: 2022-05-06. Review status: criteria provided, single submitter. Criteria: Invitae Variant Classification Sherloc (09022015). Collection method: clinical testing. Allele origin: germline.
Comment: In summary, the available evidence is currently insufficient to determine the role of this variant in disease. Therefore, it has been classified as a Variant of Uncertain Significance. This variant has not been reported in the literature in individuals affected with GAS8-related conditions. This variant results in a copy number gain of the genomic region encompassing exon(s) 9-11 of the GAS8 gene. This region includes the termination codon of the gene. This copy number gain extends beyond the assayed region for this gene and therefore may encompass additional genes. As the precise location of this event is unknown, it may be in tandem or it may be located elsewhere in the genome.

NC_000016.9:g.(?_90106688)_(90109753_?)dup

Gene: GAS8 (growth arrest specific 8; plus strand). Cytogenetic location: 16q24.3.
Variant type: Duplication.
Identifiers: ClinVar variation 2424186 (VCV002424186.4).